The following is an entry in ClinVar:

ClinVar aggregate classification (germline): Likely benign. Review status: criteria provided, multiple submitters, no conflicts (2 of 4 stars). 3 submissions from 3 submitters: Likely benign (3). Last evaluated 2026-01-26.

Conditions:
LRRK1-related disorder. Also called: LRRK1-related condition.

Allele frequency attached by ClinVar (database versions not stated): gnomAD exomes 0.00024; ExAC 0.00039; ESP Exome Variant Server 0.00087; gnomAD 0.00096 and 0.00101; TOPMed 0.00099; 1000 Genomes Project 0.00180; 1000 Genomes Project 30x 0.00187.
gnomAD v4.1: 258 of 1,589,550 alleles (0.016%); highest among the groups gnomAD compares: African/African-American, 0.3%; no homozygotes.

Submissions (3):

Labcorp Genetics (formerly Invitae), Labcorp
Classification: Likely benign. Last evaluated: 2026-01-26. Review status: criteria provided, single submitter. Criteria: Invitae Variant Classification Sherloc (09022015). Collection method: clinical testing. Allele origin: germline.

PreventionGenetics, part of Exact Sciences
Classification: Likely benign for LRRK1-related condition. Last evaluated: 2025-08-26. Review status: criteria provided, single submitter. Criteria: ACMG Guidelines, 2015. Collection method: clinical testing. Allele origin: germline.
Comment: This variant is classified as likely benign based on ACMG/AMP sequence variant interpretation guidelines (Richards et al. 2015 PMID: 25741868, with internal and published modifications).

Breakthrough Genomics
Classification: Likely benign. Review status: criteria provided, single submitter. Criteria: ACMG Guidelines, 2015. Collection method: not provided. Allele origin: germline. Inheritance: Autosomal recessive inheritance. Affected: yes.

NM_024652.6(LRRK1):c.4048G>A (p.Ala1350Thr)

Genes: LRRK1-AS1 (LRRK1 antisense RNA 1; minus strand), LRRK1 (leucine rich repeat kinase 1; plus strand). Cytogenetic location: 15q26.3.
Variant type: single nucleotide variant.
Coding change: c.4048G>A on transcript NM_024652.6 (MANE Select); coding-DNA position 4048, G replaced by A.
Protein change: p.Ala1350Thr; replaces alanine 1350 with threonine.
Molecular consequence: missense variant.
Genome position (GRCh38, 1-based): chr15:101,053,414, G>A. VCF-style: chr15-101053414-G-A. GRCh37 (hg19) VCF-style: chr15-101593619-G-A.
Other names: c.4048G>A (NM_024652.5); short protein forms A1350T.
Identifiers: ClinVar variation 785514 (VCV000785514.11), dbSNP rs77202443, ClinGen allele CA7761727.
Genomic context (GRCh38, chr15:101,053,414, plus strand): 5'-CTCTGCTTCGCCCTGGAGCTCGCGCCGCTCAGCAGCCTCAACACCGTGCTGTCCGAGAAC[G>A]CCAGAGGTACCGCGGCGCGCCGCCCCACCCGGCCCCGGAGACCGACAGAGCCCCGGGCGC-3'
Protein context (NP_078928.3, residues 1340-1360): SSLNTVLSEN[Ala1350Thr]RDSSFIPLGH